The following is an entry in ClinVar:

NM_001040142.2(SCN2A):c.4021C>A (p.Leu1341Ile)

Gene: SCN2A (sodium voltage-gated channel alpha subunit 2; plus strand). Cytogenetic location: 2q24.3.
Variant type: single nucleotide variant.
Coding change: c.4021C>A on transcript NM_001040142.2 (MANE Select); coding-DNA position 4021, C replaced by A.
Protein change: p.Leu1341Ile; replaces leucine 1341 with isoleucine.
Molecular consequence: missense variant.
Genome position (GRCh38, 1-based): chr2:165,374,733, C>A. VCF-style: chr2-165374733-C-A. GRCh37 (hg19) VCF-style: chr2-166231243-C-A.
Other names: c.4021C>A, p.Leu1341Ile (NM_001040143.2, NM_001371246.1, NM_001371247.1 and 1 more transcripts); c.4021C>A (NM_021007.2); short protein forms L1341I.
Identifiers: ClinVar variation 4079966 (VCV004079966.2).

ClinVar aggregate classification (germline): Uncertain significance. Review status: criteria provided, multiple submitters, no conflicts (2 of 4 stars). 2 submissions from 2 submitters: Uncertain significance (2). Last evaluated 2025-05-30.

Submissions (2):

GeneDx
Classification: Uncertain significance. Last evaluated: 2025-05-30. Review status: criteria provided, single submitter. Criteria: GeneDx Variant Classification Process June 2021. Collection method: clinical testing. Allele origin: germline. Affected: yes.
Comment: Not observed at significant frequency in large population cohorts (gnomAD); In silico analysis suggests that this missense variant does not alter protein structure/function; Has not been previously published as pathogenic or benign to our knowledge; This substitution is predicted to be within the transmembrane segment S5 of the third homologous domain

Revvity Omics, Revvity
Classification: Uncertain significance. Last evaluated: 2024-04-23. Review status: criteria provided, single submitter. Criteria: ACMG Guidelines, 2015. Collection method: clinical testing. Allele origin: germline.